The following is an entry in ClinVar:

NM_003107.3(SOX4):c.187A>G (p.Met63Val)

Gene: SOX4 (SRY-box transcription factor 4; plus strand). Cytogenetic location: 6p22.3.
Variant type: single nucleotide variant.
Coding change: c.187A>G on transcript NM_003107.3 (MANE Select); coding-DNA position 187, A replaced by G.
Protein change: p.Met63Val; replaces methionine 63 with valine.
Molecular consequence: missense variant.
Genome position (GRCh38, 1-based): chr6:21,594,721, A>G. VCF-style: chr6-21594721-A-G. GRCh37 (hg19) VCF-style: chr6-21594952-A-G.
Other names: short protein forms M63V.
Identifiers: ClinVar variation 3339130 (VCV003339130.1).

ClinVar aggregate classification (germline): Uncertain significance (1 of 4 stars; one submission).

Submission:

Women's Health and Genetics/Laboratory Corporation of America, LabCorp
Classification: Uncertain significance. Last evaluated: 2024-07-05. Review status: criteria provided, single submitter. Criteria: LabCorp Variant Classification Summary - May 2015. Collection method: clinical testing. Allele origin: germline.
Comment: Variant summary: SOX4 c.187A>G (p.Met63Val) results in a conservative amino acid change located in the High mobility group box domain (IPR009071) of the encoded protein sequence. Four of five in-silico tools predict a damaging effect of the variant on protein function. The variant was absent in 214064 control chromosomes. The available data on variant occurrences in the general population are insufficient to allow any conclusion about variant significance. To our knowledge, no occurrence of c.187A>G in individuals affected with Coffin-Siris Syndrome 10 and no experimental evidence demonstrating its impact on protein function have been reported. No submitters have cited clinical-significance assessments for this variant to ClinVar. Based on the evidence outlined above, the variant was classified as uncertain significance.